The following is an entry in ClinVar:

NM_001365951.3(KIF1B):c.1751G>A (p.Arg584Gln)

Gene: KIF1B (kinesin family member 1B; plus strand). Cytogenetic location: 1p36.22.
Variant type: single nucleotide variant.
Coding change: c.1751G>A on transcript NM_001365951.3 (MANE Select); coding-DNA position 1751, G replaced by A.
Protein change: p.Arg584Gln; replaces arginine 584 with glutamine.
Molecular consequence: missense variant.
Genome position (GRCh38, 1-based): chr1:10,295,740, G>A. VCF-style: chr1-10295740-G-A. GRCh37 (hg19) VCF-style: chr1-10355798-G-A.
Other names: c.1751G>A, p.Arg584Gln (NM_001365952.1); c.1613G>A, p.Arg538Gln (NM_001365953.1, NM_015074.3, NM_183416.4); short protein forms R584Q, R538Q.
Identifiers: ClinVar variation 1776441 (VCV001776441.9), dbSNP rs1169892801, ClinGen allele CA338315113.

ClinVar aggregate classification (germline): Uncertain significance. Review status: criteria provided, multiple submitters, no conflicts (2 of 4 stars). 2 submissions from 2 submitters: Uncertain significance (2). Last evaluated 2025-08-14.

Conditions:
Charcot-Marie-Tooth disease type 2. Also called: Charcot-Marie-Tooth type 2. Identifiers: Orphanet 64746, MedGen C0270914, MONDO:0018993.

gnomAD v4.1: 6 of 1,613,744 alleles (0.00037%); highest among the groups gnomAD compares: African/African-American, 0.0013%; no homozygotes.

Submissions (2):

Ambry Genetics
Classification: Uncertain significance. Last evaluated: 2025-08-14. Review status: criteria provided, single submitter. Criteria: Ambry Variant Classification Scheme 2023. Collection method: clinical testing. Allele origin: germline.
Comment: The p.R538Q variant (also known as c.1613G>A), located in coding exon 16 of the KIF1B gene, results from a G to A substitution at nucleotide position 1613. The arginine at codon 538 is replaced by glutamine, an amino acid with highly similar properties. This amino acid position is well conserved in available vertebrate species. In addition, the in silico prediction for this alteration is inconclusive. Since supporting evidence is limited at this time, the clinical significance of this alteration remains unclear.

Labcorp Genetics (formerly Invitae), Labcorp
Classification: Uncertain significance for Charcot-Marie-Tooth disease type 2. Last evaluated: 2022-03-12. Review status: criteria provided, single submitter. Criteria: Invitae Variant Classification Sherloc (09022015). Collection method: clinical testing. Allele origin: germline.
Comment: In summary, the available evidence is currently insufficient to determine the role of this variant in disease. Therefore, it has been classified as a Variant of Uncertain Significance. Algorithms developed to predict the effect of missense changes on protein structure and function are either unavailable or do not agree on the potential impact of this missense change (SIFT: "Tolerated"; PolyPhen-2: "Probably Damaging"; Align-GVGD: "Class C0"). This variant has not been reported in the literature in individuals affected with KIF1B-related conditions. This variant is not present in population databases (gnomAD no frequency). This sequence change replaces arginine, which is basic and polar, with glutamine, which is neutral and polar, at codon 538 of the KIF1B protein (p.Arg538Gln).